The following is an entry in ClinVar:

NM_014669.5(NUP93):c.1741G>A (p.Asp581Asn)

Gene: NUP93 (nucleoporin 93; plus strand). Cytogenetic location: 16q13.
Variant type: single nucleotide variant.
Coding change: c.1741G>A on transcript NM_014669.5 (MANE Select); coding-DNA position 1741, G replaced by A.
Protein change: p.Asp581Asn; replaces aspartic acid 581 with asparagine.
Molecular consequence: missense variant.
Genome position (GRCh38, 1-based): chr16:56,834,737, G>A. VCF-style: chr16-56834737-G-A. GRCh37 (hg19) VCF-style: chr16-56868649-G-A.
Other names: c.1372G>A, p.Asp458Asn (NM_001242795.2, NM_001242796.2); short protein forms D458N, D581N.
Identifiers: ClinVar variation 1484712 (VCV001484712.6), dbSNP rs780856607, ClinGen allele CA8068536.

ClinVar aggregate classification (germline): Uncertain significance (1 of 4 stars; one submission).

Allele frequency attached by ClinVar (database versions not stated): gnomAD exomes below 0.00001 and 0.00002; ExAC 0.00001; gnomAD 0.00001; TOPMed 0.00001.
gnomAD v4.1: 24 of 1,611,408 alleles (0.0015%); highest among the groups gnomAD compares: Middle Eastern, 0.016%; no homozygotes.

Submission:

Labcorp Genetics (formerly Invitae), Labcorp
Classification: Uncertain significance. Last evaluated: 2022-09-10. Review status: criteria provided, single submitter. Criteria: Invitae Variant Classification Sherloc (09022015). Collection method: clinical testing. Allele origin: germline.
Comment: In summary, the available evidence is currently insufficient to determine the role of this variant in disease. Therefore, it has been classified as a Variant of Uncertain Significance. Advanced modeling of protein sequence and biophysical properties (such as structural, functional, and spatial information, amino acid conservation, physicochemical variation, residue mobility, and thermodynamic stability) performed at Invitae indicates that this missense variant is not expected to disrupt NUP93 protein function. ClinVar contains an entry for this variant (Variation ID: 1484712). This variant has not been reported in the literature in individuals affected with NUP93-related conditions. This variant is present in population databases (rs780856607, gnomAD 0.0009%). This sequence change replaces aspartic acid, which is acidic and polar, with asparagine, which is neutral and polar, at codon 581 of the NUP93 protein (p.Asp581Asn).